The following is an entry in ClinVar:

ClinVar aggregate classification (germline): Pathogenic/Likely pathogenic. Review status: no assertion criteria provided (0 of 4 stars). 3 submissions from 3 submitters: Pathogenic (1); Likely pathogenic (2). Last evaluated 2024-03-11.

Conditions:
Combined oxidative phosphorylation deficiency 54 (COXPD54). Identifiers: MedGen C5676912, MONDO:0030543, OMIM 619737.
Leukoencephalopathy. Identifiers: MedGen C0270612, HP:0002352.
Childhood onset sensorineural hearing impairment. Identifiers: MedGen C4023340, HP:0011474.
Lactic acidosis. Identifiers: MedGen C0001125, MONDO:0006040, HP:0003128.
Microcephaly. Also called: Microcephaly (disease). Identifiers: MedGen C4551563, MONDO:0001149, HP:0000252.
Global developmental delay (DD). Also called: Cognitive delay. Identifiers: MedGen C0557874, HP:0001263. Disease mechanism: loss of function.
Persistent lactic acidosis. Identifiers: MedGen C3554538, HP:0004898.
Diffuse white matter abnormalities. Identifiers: MedGen C4024923, HP:0007204.
Hypertonia. Identifiers: MedGen C0026826, HP:0001276.
Feeding difficulties. Also called: Poor feeding. Identifiers: MedGen C0232466, HP:0011968.

Allele frequency attached by ClinVar (database versions not stated): gnomAD exomes 0.00003 and 0.00002; gnomAD 0.00004; TOPMed 0.00002; ExAC 0.00002.
gnomAD v4.1: 52 of 1,614,002 alleles (0.0032%); highest among the groups gnomAD compares: African/African-American, 0.0053%; no homozygotes.

Submissions (3):

OMIM
Classification: Pathogenic for COMBINED OXIDATIVE PHOSPHORYLATION DEFICIENCY 54. Last evaluated: 2024-03-11. Review status: no assertion criteria provided. Collection method: literature only. Allele origin: germline.

Manchester Centre for Genomic Medicine, The University of Manchester
Classification: Likely pathogenic for Childhood onset sensorineural hearing impairment; Leukoencephalopathy; Lactic acidosis. Last evaluated: 2021-09-23. Review status: no assertion criteria provided. Collection method: clinical testing. Allele origin: germline. Inheritance: Autosomal recessive inheritance. Affected: yes.

Dept. of Evolution and Genomic Sciences, University of Manchester
Classification: Likely pathogenic for Hypertonia; Persistent lactic acidosis; Feeding difficulties; Global developmental delay; Microcephaly; Diffuse white matter abnormalities. Last evaluated: 2018-10-01. Review status: no assertion criteria provided. Collection method: clinical testing. Allele origin: inherited. Inheritance: Autosomal recessive inheritance. Affected: yes.

Literature cited by the submitters: PubMed 34715011 (cited by OMIM).

NM_014672.4(PRORP):c.1334G>A (p.Arg445Gln)

Genes: PRORP (protein only RNase P catalytic subunit; plus strand), PRORP-PSMA6 (PRORP-PSMA6 readthrough; plus strand). Cytogenetic location: 14q13.2.
Variant type: single nucleotide variant.
Coding change: c.1334G>A on transcript NM_014672.4 (MANE Select); coding-DNA position 1334, G replaced by A.
Protein change: p.Arg445Gln; replaces arginine 445 with glutamine.
Molecular consequence: missense variant.
Genome position (GRCh38, 1-based): chr14:35,266,785, G>A. VCF-style: chr14-35266785-G-A. GRCh37 (hg19) VCF-style: chr14-35735991-G-A.
Other names: PRORP, ARG445GLN (rs777185638); c.1286G>A, p.Arg429Gln (NM_001256678.2); c.1049G>A, p.Arg350Gln (NM_001256679.2); c.218G>A, p.Arg73Gln (NM_001256680.2, NM_001256681.2); short protein forms R445Q, R350Q, R429Q, R73Q.
Identifiers: ClinVar variation 638209 (VCV000638209.29), dbSNP rs777185638, ClinGen allele CA7154908.
Genomic context (GRCh38, chr14:35,266,785, plus strand): 5'-AGCTCTTGAATGTCGTCTCTCAACTAGCCAAACGGAATCTGCGACTGCTGGTCCTAGGCC[G>A]GAAGCACATGCTAAGACGGAGTTCCCAGTGGAGTCGGGATGAGATGGAAGAGGTGCAAAA-3'
Protein context (NP_055487.2, residues 435-455): KRNLRLLVLG[Arg445Gln]KHMLRRSSQW